The following is an entry in ClinVar:

NM_000557.5(GDF5):c.236G>T (p.Gly79Val)

Gene: GDF5 (growth differentiation factor 5; minus strand). Cytogenetic location: 20q11.22.
Variant type: single nucleotide variant.
Coding change: c.236G>T on transcript NM_000557.5 (MANE Select); coding-DNA position 236, G replaced by T.
Protein change: p.Gly79Val; replaces glycine 79 with valine.
Molecular consequence: missense variant.
Genome position (GRCh38, 1-based): chr20:35,437,693, C>A on the plus strand (G>T on the coding strand, the complement: GDF5 is on the minus strand). VCF-style: chr20-35437693-C-A. GRCh37 (hg19) VCF-style: chr20-34025473-C-A.
Other names: c.236G>T, p.Gly79Val (NM_001319138.2); short protein forms G79V.
Identifiers: ClinVar variation 4779607 (VCV004779607.1).
Genomic context (GRCh38, chr20:35,437,693, plus strand): 5'-GGGGGCAGCTTTTTGGGTTCATCCTTCTTGGGCTGTGTCAGGCCTCCTGTCTGCCCGGTG[C>A]CTCCCTTTGCCCTGGCATTGGCATTGGTGGCCCCCCCACCATAGCTGTGACCCCCTGGCC-3'
Protein context (NP_000548.2, residues 69-89): ATNANARAKG[Gly79Val]TGQTGGLTQP

ClinVar aggregate classification (germline): Uncertain significance (1 of 4 stars; one submission).

gnomAD v4.1: 1 of 1,614,076 alleles (0.000062%); highest among the groups gnomAD compares: Admixed American, 0.0017%; no homozygotes.

Submission:

Labcorp Genetics (formerly Invitae), Labcorp
Classification: Uncertain significance. Last evaluated: 2025-12-01. Review status: criteria provided, single submitter. Criteria: Invitae Variant Classification Sherloc (09022015). Collection method: clinical testing. Allele origin: germline.
Comment: This sequence change replaces glycine, which is neutral and non-polar, with valine, which is neutral and non-polar, at codon 79 of the GDF5 protein (p.Gly79Val). This variant is present in population databases (no rsID available, gnomAD 0.003%). This variant has not been reported in the literature in individuals affected with GDF5-related conditions. An algorithm developed to predict the effect of missense changes on protein structure and function (PolyPhen-2) suggests that this variant is likely to be tolerated. In summary, the available evidence is currently insufficient to determine the role of this variant in disease. Therefore, it has been classified as a Variant of Uncertain Significance.